The following is an entry in ClinVar:

NM_000245.4(MET):c.1306G>A (p.Glu436Lys)

Gene: MET (MET proto-oncogene, receptor tyrosine kinase; plus strand). Cytogenetic location: 7q31.2.
Variant type: single nucleotide variant.
Coding change: c.1306G>A on transcript NM_000245.4 (MANE Select); coding-DNA position 1306, G replaced by A.
Protein change: p.Glu436Lys; replaces glutamic acid 436 with lysine.
Molecular consequence: missense variant.
Genome position (GRCh38, 1-based): chr7:116,731,773, G>A. VCF-style: chr7-116731773-G-A. GRCh37 (hg19) VCF-style: chr7-116371827-G-A.
Other names: c.1306G>A, p.Glu436Lys (NM_001127500.3, NM_001324401.3); c.16G>A, p.Glu6Lys (NM_001324402.2); short protein forms E436K, E6K.
Identifiers: ClinVar variation 524876 (VCV000524876.21), dbSNP rs200740468, ClinGen allele CA368972893.

ClinVar aggregate classification (germline): Conflicting classifications of pathogenicity. Review status: criteria provided, conflicting classifications (1 of 4 stars). 3 submissions from 3 submitters: Uncertain significance (1); Likely benign (2). Last evaluated 2026-05-15.

Conditions:
Hereditary cancer-predisposing syndrome. Also called: Tumor predisposition; Hereditary neoplastic syndrome; Neoplastic Syndromes, Hereditary; Hereditary Cancer Syndrome. Identifiers: Orphanet 140162, MedGen C0027672, MeSH D009386, MONDO:0015356.
Renal cell carcinoma. Identifiers: Orphanet 217071, MedGen C0007134, MeSH D002292, MONDO:0005086, HP:0005584.
Papillary renal cell carcinoma type 1 (RCCP1). Also called: Renal adenocarcinoma; Renal cell carcinoma 1; Renal cell carcinoma, somatic; RENAL CELL CARCINOMA, PAPILLARY, 1, SOMATIC. Identifiers: Orphanet 47044, MedGen C1336839, OMIM 605074, HP:0011797.

Allele frequency attached by ClinVar (database versions not stated): TOPMed below 0.00001; gnomAD exomes below 0.00001; gnomAD 0.00001.
gnomAD v4.1: 5 of 1,614,114 alleles (0.00031%); highest among the groups gnomAD compares: Non-Finnish European, 0.00042%; no homozygotes.

Submissions (3):

Ambry Genetics
Classification: Likely benign for Hereditary cancer-predisposing syndrome. Last evaluated: 2026-05-15. Review status: criteria provided, single submitter. Criteria: Ambry Variant Classification Scheme 2023. Collection method: clinical testing. Allele origin: germline.

Labcorp Genetics (formerly Invitae), Labcorp
Classification: Uncertain significance for Renal cell carcinoma. Last evaluated: 2025-10-23. Review status: criteria provided, single submitter. Criteria: Invitae Variant Classification Sherloc (09022015). Collection method: clinical testing. Allele origin: germline.
Comment: This sequence change replaces glutamic acid, which is acidic and polar, with lysine, which is basic and polar, at codon 436 of the MET protein (p.Glu436Lys). This variant is present in population databases (no rsID available, gnomAD 0.0009%). This variant has not been reported in the literature in individuals affected with MET-related conditions. ClinVar contains an entry for this variant (Variation ID: 524876). Invitae Evidence Modeling of protein sequence and biophysical properties (such as structural, functional, and spatial information, amino acid conservation, physicochemical variation, residue mobility, and thermodynamic stability) indicates that this missense variant is not expected to disrupt MET protein function with a negative predictive value of 80%. In summary, the available evidence is currently insufficient to determine the role of this variant in disease. Therefore, it has been classified as a Variant of Uncertain Significance.

Mendelics
Classification: Likely benign for Papillary renal cell carcinoma type 1. Last evaluated: 2019-05-28. Review status: criteria provided, single submitter. Criteria: Mendelics Assertion Criteria 2017. Collection method: clinical testing. Allele origin: unknown.